The following is an entry in ClinVar:

NC_012920.1(MT-ND5):m.13097T>C

Gene: MT-ND5 (mitochondrially encoded NADH dehydrogenase 5; plus strand).
Variant type: single nucleotide variant.
Genome position: chrM-13097-T-C.
Identifiers: ClinVar variation 693517 (VCV000693517.1), dbSNP rs1603224032, ClinGen allele CA414816546.

ClinVar aggregate classification (germline): Uncertain significance (1 of 4 stars; one submission).

Conditions:
Leigh syndrome (NULS). Also called: Leigh's necrotizing encephalopathy; Leigh's disease; Leigh Syndrome (mtDNA deletion); Leigh Disease; Subacute necrotizing encephalopathy; Necrotizing encephalopathy infantile subacute of Leigh. Identifiers: Orphanet 506, MedGen C2931891, MONDO:0009723, OMIM 256000.

Submission:

Wong Mito Lab, Molecular and Human Genetics, Baylor College of Medicine
Classification: Uncertain significance for Leigh syndrome. Last evaluated: 2019-10-17. Review status: criteria provided, single submitter. Criteria: Modified ACMG Guidelines (Unpublished). Collection method: clinical testing. Allele origin: germline.
Comment: The NC_012920.1:m.13097T>C (YP_003024036.1:p.Val254Ala) variant in MTND5 gene is interpretated to be a Uncertain Significance variant based on the modified ACMG guidelines (unpublished). This variant meets the following evidence codes: PP7